The following is an entry in ClinVar:

NM_000282.4(PCCA):c.1209G>A (p.Glu403=)

Gene: PCCA (propionyl-CoA carboxylase subunit alpha; plus strand). Cytogenetic location: 13q32.3.
Variant type: single nucleotide variant.
Coding change: c.1209G>A on transcript NM_000282.4 (MANE Select); coding-DNA position 1209, G replaced by A.
Protein change: p.Glu403=; no amino-acid change (glutamic acid 403 retained).
Molecular consequence: synonymous variant. On other transcripts: non-coding transcript variant (5), intron variant (3).
Genome position (GRCh38, 1-based): chr13:100,301,603, G>A. VCF-style: chr13-100301603-G-A. GRCh37 (hg19) VCF-style: chr13-100953857-G-A.
Other names: c.1131G>A, p.Glu377= (NM_001127692.3, NM_001352607.2); c.1209G>A, p.Glu403= (NM_001178004.2, NM_001352605.2, NM_001352609.2); c.264G>A, p.Glu88= (NM_001352610.2, NM_001352611.2); c.1066-1321G>A (NM_001352606.2); c.121-1321G>A (NM_001352612.2); c.988-1321G>A (NM_001352608.2).
Identifiers: ClinVar variation 1511731 (VCV001511731.4), dbSNP rs775767058, ClinGen allele CA7033530.

ClinVar aggregate classification (germline): Uncertain significance (1 of 4 stars; one submission).

Conditions:
Propionic acidemia (PROP). Also called: GLYCINEMIA, KETOTIC; HYPERGLYCINEMIA WITH KETOACIDOSIS AND LEUKOPENIA; KETOTIC HYPERGLYCINEMIA. Identifiers: Orphanet 35, MedGen C0268579, MONDO:0011628, OMIM 606054, HP:0003571.

Allele frequency attached by ClinVar (database versions not stated): gnomAD exomes below 0.00001; TOPMed below 0.00001; ExAC 0.00001.

Submissions (2):

Labcorp Genetics (formerly Invitae), Labcorp
Classification: Uncertain significance for Propionic acidemia. Last evaluated: 2021-06-07. Review status: criteria provided, single submitter. Criteria: Invitae Variant Classification Sherloc (09022015). Collection method: clinical testing. Allele origin: germline.
Comment: This sequence change affects codon 403 of the PCCA mRNA. It is a 'silent' change, meaning that it does not change the encoded amino acid sequence of the PCCA protein. This variant also falls at the last nucleotide of exon 13, which is part of the consensus splice site for this exon. This variant is present in population databases (rs775767058, ExAC 0.001%). This variant has not been reported in the literature in individuals with PCCA-related conditions. Nucleotide substitutions within the consensus splice site are a relatively common cause of aberrant splicing (PMID: 17576681, 9536098). Algorithms developed to predict the effect of sequence changes on RNA splicing suggest that this variant may disrupt the consensus splice site, but this prediction has not been confirmed by published transcriptional studies. In summary, the available evidence is currently insufficient to determine the role of this variant in disease. Therefore, it has been classified as a Variant of Uncertain Significance.

Dr. Peter K. Rogan Lab, Western University
No classification provided (evidence only). Condition: Melanoma. Review status: no classification provided. Collection method: in vitro. Allele origin: not applicable. Functional consequence: skipped exon. Not counted in ClinVar's aggregate classification.

Literature cited by the submitters: PubMed 17576681 (cited by Labcorp Genetics (formerly Invitae), Labcorp); PubMed 9536098 (cited by Labcorp Genetics (formerly Invitae), Labcorp).